The following is an entry in ClinVar:

ClinVar aggregate classification (germline): Likely benign. Review status: criteria provided, multiple submitters, no conflicts (2 of 4 stars). 2 submissions from 2 submitters: Likely benign (2). Last evaluated 2025-03-19.

Conditions:
Juvenile polyposis syndrome (JPS). Identifiers: Orphanet 2929, MedGen C0345893, MONDO:0017380, OMIM 174900.
Juvenile polyposis/hereditary hemorrhagic telangiectasia syndrome (JPHT). Also called: JP/HHT SYNDROME; JUVENILE POLYPOSIS WITH HEREDITARY HEMORRHAGIC TELANGIECTASIA; POLYPOSIS, GENERALIZED JUVENILE, WITH PULMONARY ARTERIOVENOUS MALFORMATION; TELANGIECTASIA, HEREDITARY HEMORRHAGIC, WITH JUVENILE POLYPOSIS COLI; Juvenile Polyposis Syndrome / Hereditary Hemorrhagic Telangiectasia (JPS/HHT). Identifiers: Orphanet 2929, MedGen C1832942, MONDO:0008278, OMIM 175050.

Submissions (2):

Myriad Genetics, Inc.
Classification: Likely benign for Juvenile polyposis/hereditary hemorrhagic telangiectasia syndrome. Last evaluated: 2025-03-19. Review status: criteria provided, single submitter. Criteria: Myriad Autosomal Dominant, Autosomal Recessive and X-Linked Classification Criteria (2023). Collection method: clinical testing. Allele origin: unknown.
Comment: This variant is considered likely benign. This variant is intronic and is not expected to impact mRNA splicing.

Labcorp Genetics (formerly Invitae), Labcorp
Classification: Likely benign for Juvenile polyposis syndrome. Last evaluated: 2022-11-09. Review status: criteria provided, single submitter. Criteria: Invitae Variant Classification Sherloc (09022015). Collection method: clinical testing. Allele origin: germline.

NM_005359.6(SMAD4):c.455-18G>A

Gene: SMAD4 (SMAD family member 4; plus strand). Cytogenetic location: 18q21.2.
Variant type: single nucleotide variant.
Coding change: c.455-18G>A on transcript NM_005359.6 (MANE Select); 18 bases into the intron before coding-DNA position 455, G replaced by A.
Molecular consequence: intron variant.
Genome position (GRCh38, 1-based): chr18:51,054,763, G>A. VCF-style: chr18-51054763-G-A. GRCh37 (hg19) VCF-style: chr18-48581133-G-A.
Identifiers: ClinVar variation 2108393 (VCV002108393.5), dbSNP rs1283264128, ClinGen allele CA2580095889.